The following is an entry in ClinVar:

ClinVar aggregate classification (germline): Pathogenic (1 of 4 stars; one submission).

Conditions:
Familial adenomatous polyposis 1 (FAP1). Also called: POLYPOSIS, ADENOMATOUS INTESTINAL; FAMILIAL ADENOMATOUS POLYPOSIS 1, ATTENUATED. Identifiers: MedGen C2713442, MONDO:0021056, OMIM 175100. Disease mechanism: loss of function.

Submission:

Labcorp Genetics (formerly Invitae), Labcorp
Classification: Pathogenic for Familial adenomatous polyposis 1. Last evaluated: 2021-12-07. Review status: criteria provided, single submitter. Criteria: Invitae Variant Classification Sherloc (09022015). Collection method: clinical testing. Allele origin: germline.
Comment: A gross deletion of the genomic region encompassing the full coding sequence of the APC gene has been identified. Loss-of-function variants in APC are known to be pathogenic (PMID: 17963004, 20685668). The boundaries of this event are unknown as they extend beyond the assayed region for this gene and therefore may encompass additional genes. A similar copy number variant has been observed in individual(s) with familial adenomatous polyposis (PMID: 18487285, 19279422, 21643010). For these reasons, this variant has been classified as Pathogenic.

Literature cited by the submitters: PubMed 17963004; PubMed 20685668; PubMed 18487285; PubMed 19279422; PubMed 21643010.

NC_000005.9:g.(?_112043009)_(112179829_?)del

Gene: APC (APC regulator of Wnt signaling pathway; plus strand). Cytogenetic location: 5q22.2.
Variant type: Deletion.
Identifiers: ClinVar variation 1458467 (VCV001458467.1).